The following is an entry in ClinVar:

ClinVar aggregate classification (germline): Benign/Likely benign. Review status: criteria provided, multiple submitters, no conflicts (2 of 4 stars). 9 submissions from 9 submitters: Benign (8); Likely benign (1). Last evaluated 2026-06-01.

Conditions:
Cerebral arteriopathy, autosomal dominant, with subcortical infarcts and leukoencephalopathy, type 1 (CADASIL1). Also called: DEMENTIA, HEREDITARY MULTIINFARCT TYPE; CADASIL 1; CASIL; Cerebral arteriopathy with subcortical infarcts and leukoencephalopathy 1. Identifiers: Orphanet 136, MedGen C4551768, MONDO:0000914, OMIM 125310.

Allele frequency attached by ClinVar (database versions not stated): gnomAD exomes 0.00026 and 0.00057; ExAC 0.00073; 1000 Genomes Project 30x 0.00172; 1000 Genomes Project 0.00180; ESP Exome Variant Server 0.00261; gnomAD 0.00262 and 0.00287; TOPMed 0.00270.
gnomAD v4.1: 788 of 1,614,090 alleles (0.049%); highest among the groups gnomAD compares: African/African-American, 0.92%; 6 homozygotes.

Submissions (9):

CeGaT Center for Human Genetics Tuebingen
Classification: Benign. Last evaluated: 2026-06-01. Review status: criteria provided, single submitter. Criteria: CeGaT Center For Human Genetics Tuebingen Variant Classification Criteria Version 2. Collection method: clinical testing. Allele origin: germline. Affected: yes. Observed: 2 variant alleles.
Comment: NOTCH3: BS1, BS2

Labcorp Genetics (formerly Invitae), Labcorp
Classification: Benign. Last evaluated: 2025-12-17. Review status: criteria provided, single submitter. Criteria: Invitae Variant Classification Sherloc (09022015). Collection method: clinical testing. Allele origin: germline.

ARUP Laboratories, Molecular Genetics and Genomics, ARUP Laboratories
Classification: Benign. Last evaluated: 2025-03-30. Review status: criteria provided, single submitter. Criteria: ARUP Molecular Germline Variant Investigation Process 2024. Collection method: clinical testing. Allele origin: germline.

Blueprint Genetics
Classification: Likely benign. Last evaluated: 2024-08-28. Review status: criteria provided, single submitter. Criteria: ACMG Guidelines, 2015. Collection method: clinical testing. Allele origin: germline.

Mayo Clinic Laboratories, Mayo Clinic
Classification: Benign. Last evaluated: 2023-06-09. Review status: criteria provided, single submitter. Criteria: ACMG Guidelines, 2015. Collection method: clinical testing. Allele origin: germline. Observed: 5 variant alleles.
Comment: BS1, BS2, BP1, BP4, BP7

Illumina Laboratory Services, Illumina
Classification: Benign for Cerebral arteriopathy, autosomal dominant, with subcortical infarcts and leukoencephalopathy, type 1. Last evaluated: 2018-01-13. Review status: criteria provided, single submitter. Criteria: ICSL Variant Classification Criteria 13 December 2019. Collection method: clinical testing. Allele origin: germline.
Comment: This variant was observed in the ICSL laboratory as part of a predisposition screen in an ostensibly healthy population. It had not been previously curated by ICSL or reported in the Human Gene Mutation Database (HGMD: prior to June 1st, 2018), and was therefore a candidate for classification through an automated scoring system. Utilizing variant allele frequency, disease prevalence and penetrance estimates, and inheritance mode, an automated score was calculated to assess if this variant is too frequent to cause the disease. Based on the score and internal cut-off values, a variant classified as benign is not then subjected to further curation. The score for this variant resulted in a classification of benign for this disease.

Athena Diagnostics
Classification: Benign. Last evaluated: 2017-06-21. Review status: criteria provided, single submitter. Criteria: Athena Diagnostics Criteria. Collection method: clinical testing. Allele origin: germline.

Breakthrough Genomics
Classification: Benign. Review status: criteria provided, single submitter. Criteria: ACMG Guidelines, 2015. Collection method: not provided. Allele origin: germline. Inheritance: Autosomal dominant inheritance. Affected: yes.

PreventionGenetics, part of Exact Sciences
Classification: Benign. Review status: criteria provided, single submitter. Criteria: ACMG Guidelines, 2015. Collection method: clinical testing. Allele origin: germline.

NM_000435.3(NOTCH3):c.5370C>T (p.Phe1790=)

Gene: NOTCH3 (notch receptor 3; minus strand). Cytogenetic location: 19p13.12.
Variant type: single nucleotide variant.
Coding change: c.5370C>T on transcript NM_000435.3 (MANE Select); coding-DNA position 5370, C replaced by T.
Protein change: p.Phe1790=; no amino-acid change (phenylalanine 1790 retained).
Molecular consequence: synonymous variant.
Genome position (GRCh38, 1-based): chr19:15,166,084, G>A on the plus strand (C>T on the coding strand, the complement: NOTCH3 is on the minus strand). VCF-style: chr19-15166084-G-A. GRCh37 (hg19) VCF-style: chr19-15276895-G-A.
Other names: p.Phe1790=.
Identifiers: ClinVar variation 256142 (VCV000256142.43), dbSNP rs35887416, ClinGen allele CA9262627.